The following is an entry in ClinVar:

NM_000492.4(CFTR):c.2916_2917delinsAT (p.Leu973Phe)

Genes: CFTR (CF transmembrane conductance regulator; plus strand), CFTR-AS2 (CFTR antisense RNA 2; minus strand). Cytogenetic location: 7q31.2.
Variant type: Indel.
Coding change: c.2916_2917delinsAT on transcript NM_000492.4 (MANE Select); coding-DNA positions 2916 to 2917, TC replaced by AT.
Protein change: p.Leu973Phe; replaces leucine 973 with phenylalanine.
Molecular consequence: missense variant.
Genome position (GRCh38, 1-based): chr7:117,606,681-117,606,682, TC replaced by AT. VCF-style: chr7-117606681-TC-AT. GRCh37 (hg19) VCF-style: chr7-117246735-TC-AT.
Other names: c.2916_2917delTCinsAT (NM_000492.3); short protein forms L973F.
Identifiers: ClinVar variation 53596 (VCV000053596.8), dbSNP rs397508459, ClinGen allele CA326967.
Genomic context (GRCh38, chr7:117,606,681, plus strand): 5'-TATCTTTAAAAAATTAGTGTTTTTTGAGGAATTTGTCATCTTGTATATTATAGGTGGGAT[TC>AT]TTAATAGATTCTCCAAAGATATAGCAATTTTGGATGACCTTCTGCCTCTTACCATATTTG-3'
Protein context (NP_000483.3, residues 963-983): TLNTLKAGGI[Leu973Phe]NRFSKDIAIL

ClinVar aggregate classification (germline): Uncertain significance. Review status: criteria provided, multiple submitters, no conflicts (2 of 4 stars). 5 submissions from 5 submitters: Uncertain significance (4). 1 of the submissions does not count toward it. Last evaluated 2025-07-30.

Conditions:
Cystic fibrosis (CF). Also called: MUCOVISCIDOSIS. Identifiers: Orphanet 586, MedGen C0010674, MONDO:0009061, OMIM 219700. Disease mechanism: loss of function.

Submissions (5):

ARUP Laboratories, Molecular Genetics and Genomics, ARUP Laboratories
Classification: Uncertain significance. Last evaluated: 2025-07-30. Review status: criteria provided, single submitter. Criteria: ARUP Molecular Germline Variant Investigation Process 2024. Collection method: clinical testing. Allele origin: germline.
Comment: The CFTR c.2916_2917delinsAT; p.Leu973Phe variant (rs397508459, ClinVar Variation ID: 53596) is reported in the literature in an individual with congenital bilateral absence of vas deferens that also carried a pathogenic CFTR splicing variant (Dork 1997). The p.Leu973Phe variant is absent from the Genome Aggregation Database (v2.1.1), indicating it is not a common polymorphism. Computational analyses predict that this variant is deleterious (REVEL: 0.785). However, due to limited information, the clinical significance of this variant is uncertain at this time. References: Dork T et al. Distinct spectrum of CFTR gene mutations in congenital absence of vas deferens. Hum Genet. 1997;100(3-4):365-377. PMID: 9272157.

Ambry Genetics
Classification: Uncertain significance for Cystic fibrosis. Last evaluated: 2023-11-02. Review status: criteria provided, single submitter. Criteria: Ambry Variant Classification Scheme 2023. Collection method: clinical testing. Allele origin: germline.
Comment: The c.2916_2917delTCinsAT variant (also known as p.L973F and 3048_3049delTCinsAT), located in coding exon 18 of the CFTR gene, results from an in-frame deletion of TC and insertion of AT between nucleotide positions 2916 and 2917. This results in the substitution of the leucine residue for a phenylalanine residue at codon 973, an amino acid with highly similar properties. This amino acid position is well conserved in available vertebrate species. In addition, this alteration is predicted to be inconclusive by in silico analysis (Choi Y et al. PLoS ONE. 2012; 7(10):e46688). Since supporting evidence is limited at this time, the clinical significance of this variant remains unclear.

Labcorp Genetics (formerly Invitae), Labcorp
Classification: Uncertain significance for Cystic fibrosis. Last evaluated: 2021-10-14. Review status: criteria provided, single submitter. Criteria: Invitae Variant Classification Sherloc (09022015). Collection method: clinical testing. Allele origin: germline.

Women's Health and Genetics/Laboratory Corporation of America, LabCorp
Classification: Uncertain significance. Last evaluated: 2019-03-14. Review status: criteria provided, single submitter. Criteria: LabCorp Variant Classification Summary - May 2015. Collection method: clinical testing. Allele origin: germline.
Comment: Variant summary: CFTR c.2916_2917delinsAT (p.Leu973Phe) results in a conservative amino acid change located in the transmembrane domain (IPR011527) of the encoded protein sequence. Four of five in-silico tools predict a damaging effect of the variant on protein function. The variant was absent in 245824 control chromosomes (gnomAD). The available data on variant occurrences in the general population are insufficient to allow any conclusion about variant significance. c.2916_2917delinsAT has been reported in the literature in an individual affected with Congenital Bilateral Absence of the Vas Deferens (CBAVD), with a pathogenic variant, c.2657+5G>A, in trans (Dork 1997). These data do not allow clear conclusions about variant significance. To our knowledge, no experimental evidence demonstrating an impact on protein function has been reported. No clinical diagnostic laboratories have submitted clinical-significance assessments for this variant to ClinVar after 2014. Based on the evidence outlined above, the variant was classified as uncertain significance.

ClinVar Staff, National Center for Biotechnology Information (NCBI)
No classification provided. Condition: CFTR-related disorders. Review status: no classification provided. Collection method: literature only. Allele origin: germline. Affected: yes. Not counted in ClinVar's aggregate classification.

Literature cited by the submitters: PubMed 9272157 (cited by 3 submitters).